The following is an entry in ClinVar:

ClinVar aggregate classification (germline): Pathogenic (1 of 4 stars; one submission).

Conditions:
Multiple congenital exostosis (EXT). Also called: Multiple exostoses; Multiple osteochondromas; MULTIPLE CARTILAGINOUS EXOSTOSES; Hereditary multiple exostoses; Hereditary multiple exostosis; Hereditary multiple osteochondromas. Identifiers: Orphanet 321, MedGen C0015306, MONDO:0005508, HP:0002762.

Submission:

Labcorp Genetics (formerly Invitae), Labcorp
Classification: Pathogenic for Multiple congenital exostosis. Last evaluated: 2022-08-19. Review status: criteria provided, single submitter. Criteria: Invitae Variant Classification Sherloc (09022015). Collection method: clinical testing. Allele origin: germline.
Comment: This variant is not present in population databases (gnomAD no frequency). This sequence change creates a premature translational stop signal (p.Glu349Glyfs*21) in the EXT1 gene. It is expected to result in an absent or disrupted protein product. Loss-of-function variants in EXT1 are known to be pathogenic (PMID: 10679937, 11391482, 19810120). This variant has not been reported in the literature in individuals affected with EXT1-related conditions. For these reasons, this variant has been classified as Pathogenic.

Literature cited by the submitters: PubMed 10679937; PubMed 11391482; PubMed 19810120.

NM_000127.3(EXT1):c.1046_1047del (p.Glu349fs)

Gene: EXT1 (exostosin glycosyltransferase 1; minus strand). Cytogenetic location: 8q24.11.
Variant type: Deletion.
Coding change: c.1046_1047del on transcript NM_000127.3 (MANE Select); coding-DNA positions 1046 to 1047, 2 bases deleted (AG; older notation c.1046_1047delAG).
Protein change: p.Glu349fs; shifts the reading frame from glutamic acid 349.
Molecular consequence: frameshift variant.
Genome position (GRCh38, 1-based): chr8:117,837,117-117,837,118, CT deleted on the plus strand (AG on the coding strand, the reverse complement: EXT1 is on the minus strand); deleting any 2 consecutive bases within chr8:117,837,117-117,837,119 gives the same sequence; the c. name uses the placement nearest the transcript's 3' end. VCF-style (leftmost placement, unchanged base first): chr8-117837116-CCT-C. GRCh37 (hg19) VCF-style: chr8-118849355-CCT-C.
Other names: short protein forms E349fs.
Identifiers: ClinVar variation 2024673 (VCV002024673.4), dbSNP rs2488135179, ClinGen allele CA2580078551.
Genomic context (GRCh38, chr8:117,837,116, plus strand): 5'-AATCTGGCTTCGGTCCTCAGCCCTATTCTGGGAAGGCTCCAGGGCCTCTTACCTGCAAAG[CCT>C]CCAGGAATCTGAAGGACCCAAGCCTGCGACCACGAGGAACCAGACAGAAAGTGGCATTGT-3'